The following is an entry in ClinVar:

ClinVar aggregate classification (germline): Uncertain significance (1 of 4 stars; one submission).

Conditions:
Hereditary spastic paraplegia 30. Identifiers: Orphanet 101010, MedGen C5235139, MONDO:0012476.
Neuropathy, hereditary sensory, type 2C. Also called: Hereditary sensory and autonomic neuropathy type IIC; KIF1A-Related HSAN2 (HSAN2C). Identifiers: Orphanet 970, MedGen C3280168, MONDO:0013634, OMIM 614213.
Intellectual disability, autosomal dominant 9 (NESCAVS). Also called: NESCAV SYNDROME; KIF1A-Related Neurodevelopmental Disorder. Identifiers: Orphanet 662367, MedGen C5393830, MONDO:0013656, OMIM 614255.

Allele frequency attached by ClinVar (database versions not stated): gnomAD exomes below 0.00001.
gnomAD v4.1: 2 of 1,582,854 alleles (0.00013%); highest among the groups gnomAD compares: Non-Finnish European, 0.00017%; no homozygotes.

Submission:

Labcorp Genetics (formerly Invitae), Labcorp
Classification: Uncertain significance for Hereditary spastic paraplegia 30; Neuropathy, hereditary sensory, type 2C; Intellectual disability, autosomal dominant 9. Last evaluated: 2021-02-02. Review status: criteria provided, single submitter. Criteria: Invitae Variant Classification Sherloc (09022015). Collection method: clinical testing. Allele origin: germline.
Comment: In summary, the available evidence is currently insufficient to determine the role of this variant in disease. Therefore, it has been classified as a Variant of Uncertain Significance. Algorithms developed to predict the effect of missense changes on protein structure and function are either unavailable or do not agree on the potential impact of this missense change (SIFT: "Deleterious"; PolyPhen-2: "Benign"; Align-GVGD: "Class C0"). This variant has not been reported in the literature in individuals with KIF1A-related conditions. This variant is not present in population databases (ExAC no frequency). This sequence change replaces valine with methionine at codon 944 of the KIF1A protein (p.Val944Met). The valine residue is highly conserved and there is a small physicochemical difference between valine and methionine.

NM_001244008.2(KIF1A):c.3133G>A (p.Val1045Met)

Gene: KIF1A (kinesin family member 1A; minus strand). Cytogenetic location: 2q37.3.
Variant type: single nucleotide variant.
Coding change: c.3133G>A on transcript NM_001244008.2 (MANE Select); coding-DNA position 3133, G replaced by A.
Protein change: p.Val1045Met; replaces valine 1045 with methionine.
Molecular consequence: missense variant.
Genome position (GRCh38, 1-based): chr2:240,746,108, C>T on the plus strand (G>A on the coding strand, the complement: KIF1A is on the minus strand). VCF-style: chr2-240746108-C-T. GRCh37 (hg19) VCF-style: chr2-241685525-C-T.
Other names: c.2857G>A, p.Val953Met (NM_001320705.2, NM_001330289.2, NM_001379638.1); c.2932G>A, p.Val978Met (NM_001330290.2, NM_001379634.1, NM_001379635.1 and 1 more transcripts); c.3208G>A, p.Val1070Met (NM_001379631.1); c.3082G>A, p.Val1028Met (NM_001379632.1); c.3106G>A, p.Val1036Met (NM_001379633.1, NM_001379642.1, NM_001379645.1); c.2830G>A, p.Val944Met (NM_001379636.1, NM_001379639.1, NM_001379640.1 and 6 more transcripts); c.2905G>A, p.Val969Met (NM_001379637.1, NM_001379648.1); short protein forms V1045M, V1028M, V1036M, V953M, V969M, V1070M, V944M, V978M.
Identifiers: ClinVar variation 1403314 (VCV001403314.8), dbSNP rs2125793618, ClinGen allele CA351318896.